The following is an entry in ClinVar:

NM_001379110.1(SLC9A6):c.459dup (p.Arg154fs)

Gene: SLC9A6 (solute carrier family 9 member A6; plus strand). Cytogenetic location: Xq26.3.
Variant type: Duplication.
Coding change: c.459dup on transcript NM_001379110.1 (MANE Select); coding-DNA position 459, one base duplicated (T; older notation c.459dupT).
Protein change: p.Arg154fs; shifts the reading frame from arginine 154.
Molecular consequence: frameshift variant.
Genome position (GRCh38, 1-based): chrX:135,998,493, T duplicated; the last of 7 consecutive T bases (chrX:135,998,487-135,998,493); duplicating any one gives the same sequence. VCF-style (leftmost placement, unchanged base first): chrX-135998486-A-AT. GRCh37 (hg19) VCF-style: chrX-135080645-A-AT.
Other names: c.615dup, p.Arg206fs (NM_001042537.2); c.459dup, p.Arg154fs (NM_001177651.2, NM_001400909.1, NM_001400910.1 and 2 more transcripts); c.363dup, p.Arg122fs (NM_001330652.2, NM_001400913.1); c.519dup, p.Arg174fs (NM_006359.3); short protein forms R122fs, R154fs, R174fs, R206fs.
Identifiers: ClinVar variation 3893319 (VCV003893319.1).

ClinVar aggregate classification (germline): Pathogenic (1 of 4 stars; one submission).

Submission:

GeneDx
Classification: Pathogenic. Last evaluated: 2024-10-24. Review status: criteria provided, single submitter. Criteria: GeneDx Variant Classification Process June 2021. Collection method: clinical testing. Allele origin: germline. Affected: yes.
Comment: Frameshift variant predicted to result in protein truncation or nonsense mediated decay in a gene for which loss of function is a known mechanism of disease; Not observed at significant frequency in large population cohorts (gnomAD); This variant is associated with the following publications: (PMID: 30842647)